The following is an entry in ClinVar:

NM_001122630.2(CDKN1C):c.-10-13C>T

Gene: CDKN1C (cyclin dependent kinase inhibitor 1C; minus strand). Cytogenetic location: 11p15.4.
Variant type: single nucleotide variant.
Coding change: c.-10-13C>T on transcript NM_001122630.2 (MANE Select); 13 bases into the intron before 10 bases upstream of the start codon, C replaced by T.
Molecular consequence: intron variant. On other transcripts: missense variant (2).
Genome position (GRCh38, 1-based): chr11:2,885,479, G>A on the plus strand (C>T on the coding strand, the complement: CDKN1C is on the minus strand). VCF-style: chr11-2885479-G-A. GRCh37 (hg19) VCF-style: chr11-2906709-G-A.
Other names: c.11C>T, p.Ala4Val (LRG_533t1, NM_000076.2, NM_001362474.2); c.-10-13C>T (NM_001362475.2, NM_001122631.2); short protein forms A4V.
Identifiers: ClinVar variation 524682 (VCV000524682.14), dbSNP rs201368350, ClinGen allele CA5822253.
Genomic context (GRCh38, chr11:2,885,479, plus strand): 5'-AGTACTGGGAAGGTCCCACGGGCGACAAGACGCTCCATCGTGGATGTGCTGCGGAGGGAC[G>A]CGTCGGACATGGCCCGGGGCTGCGCAAACGCGGGCAGCGAGAGAGGAGAGGACAGCGAGA-3'

ClinVar aggregate classification (germline): Uncertain significance. Review status: criteria provided, multiple submitters, no conflicts (2 of 4 stars). 4 submissions from 4 submitters: Uncertain significance (4). Last evaluated 2025-04-28.

Conditions:
IMAGe syndrome. Also called: Intrauterine growth retardation, metaphyseal dysplasia, adrenal hypoplasia congenita, and genital anomalies; Intrauterine Growth Restriction, Metaphyseal Dysplasia, Adrenal Hypoplasia Congenita, and Genital Anomalies. Identifiers: Orphanet 85173, MedGen C1846009, MONDO:0013873, OMIM 614732.
Beckwith-Wiedemann syndrome (BWS). Also called: Exomphalos macroglossia gigantism syndrome; EMG SYNDROME. Identifiers: Orphanet 116, MedGen C0004903, MONDO:0007534, OMIM 130650.
CDKN1C-related disorder. Also called: CDKN1C-related condition.

Allele frequency attached by ClinVar (database versions not stated): gnomAD 0.00001; TOPMed 0.00002; gnomAD exomes 0.00003; ExAC 0.00006; 1000 Genomes Project 30x 0.00016; 1000 Genomes Project 0.00020.

Submissions (4):

Labcorp Genetics (formerly Invitae), Labcorp
Classification: Uncertain significance for Beckwith-Wiedemann syndrome. Last evaluated: 2025-04-28. Review status: criteria provided, single submitter. Criteria: Invitae Variant Classification Sherloc (09022015). Collection method: clinical testing. Allele origin: germline.
Comment: This sequence change replaces alanine, which is neutral and non-polar, with valine, which is neutral and non-polar, at codon 4 of the CDKN1C protein (p.Ala4Val). This variant is present in population databases (rs201368350, gnomAD 0.007%). This missense change has been observed in individual(s) with Beckwith-Wiedemann syndrome (PMID: 20503313). ClinVar contains an entry for this variant (Variation ID: 524682). An algorithm developed to predict the effect of missense changes on protein structure and function outputs the following: PolyPhen-2: "Benign". The valine amino acid residue is found in multiple mammalian species, which suggests that this missense change does not adversely affect protein function. In summary, the available evidence is currently insufficient to determine the role of this variant in disease. Therefore, it has been classified as a Variant of Uncertain Significance.

PreventionGenetics, part of Exact Sciences
Classification: Uncertain significance for CDKN1C-related condition. Last evaluated: 2025-03-01. Review status: criteria provided, single submitter. Criteria: ACMG Guidelines, 2015. Collection method: clinical testing. Allele origin: germline.
Comment: The CDKN1C c.11C>T variant is predicted to result in the amino acid substitution p.Ala4Val. This variant was reported in a patient with Beckwith-Wiedemann syndrome (Romanelli et al. 2010. PubMed ID: 20503313). This variant is reported in 0.0069% of alleles in individuals of European (Non-Finnish) descent in gnomAD. At this time, the clinical significance of this variant is uncertain due to the absence of conclusive functional and genetic evidence.

Fulgent Genetics
Classification: Uncertain significance for Beckwith-Wiedemann syndrome; IMAGe syndrome. Last evaluated: 2024-03-08. Review status: criteria provided, single submitter. Criteria: ACMG Guidelines, 2015. Collection method: clinical testing. Allele origin: germline.

Greenwood Genetic Center Diagnostic Laboratories, Greenwood Genetic Center
Classification: Uncertain significance. Last evaluated: 2021-11-03. Review status: criteria provided, single submitter. Criteria: ACMG Guidelines, 2015. Collection method: clinical testing. Allele origin: germline. Affected: yes.
Comment: No ACMG evidence could be applied applied

Literature cited by the submitters: PubMed 20503313 (cited by Labcorp Genetics (formerly Invitae), Labcorp).